The following is an entry in ClinVar:

NM_019066.5(MAGEL2):c.60G>T (p.Pro20=)

Gene: MAGEL2 (MAGE family member L2; minus strand). Cytogenetic location: 15q11.2.
Variant type: single nucleotide variant.
Coding change: c.60G>T on transcript NM_019066.5 (MANE Select); coding-DNA position 60, G replaced by T.
Protein change: p.Pro20=; no amino-acid change (proline 20 retained).
Molecular consequence: synonymous variant.
Genome position (GRCh38, 1-based): chr15:23,647,683, C>A on the plus strand (G>T on the coding strand, the complement: MAGEL2 is on the minus strand). VCF-style: chr15-23647683-C-A. GRCh37 (hg19) VCF-style: chr15-23892830-C-A.
Identifiers: ClinVar variation 1572433 (VCV001572433.28), dbSNP rs765792442, ClinGen allele CA7430132.

ClinVar aggregate classification (germline): Likely benign. Review status: criteria provided, multiple submitters, no conflicts (2 of 4 stars). 2 submissions from 2 submitters: Likely benign (2). Last evaluated 2026-02-01.

gnomAD v4.1: 107 of 1,505,150 alleles (0.0071%); highest among the groups gnomAD compares: Non-Finnish European, 0.0092%; no homozygotes.

Submissions (2):

Labcorp Genetics (formerly Invitae), Labcorp
Classification: Likely benign. Last evaluated: 2026-02-01. Review status: criteria provided, single submitter. Criteria: Invitae Variant Classification Sherloc (09022015). Collection method: clinical testing. Allele origin: germline.

CeGaT Center for Human Genetics Tuebingen
Classification: Likely benign. Last evaluated: 2025-11-01. Review status: criteria provided, single submitter. Criteria: CeGaT Center For Human Genetics Tuebingen Variant Classification Criteria Version 2. Collection method: clinical testing. Allele origin: germline. Affected: yes. Observed: 3 variant alleles.
Comment: MAGEL2: BP4, BP7